The following is an entry in ClinVar:

ClinVar aggregate classification (germline): other (0 of 4 stars; one submission).

Conditions:
Familial colorectal cancer. Identifiers: MedGen CN280943, MONDO:0023113. Disease mechanism: loss of function.

Submission:

Systems Biology Platform Zhejiang California International NanoSystems Institute
Classification: other for Familial colorectal cancer. Review status: no assertion criteria provided. Collection method: not provided. Allele origin: unknown.
ClinVar note: Converted during submission from cancer to other.

NC_000005.10:g.112851092A>C

Variant type: single nucleotide variant.
Genome position: GRCh38 VCF-style: chr5-112851092-A-C. GRCh37 (hg19) VCF-style: chr5-112186789-A-C.
Identifiers: ClinVar variation 82685 (VCV000082685.3), dbSNP rs78799443, ClinGen allele CA250825.
Genomic context (GRCh38, chr5:112,851,092, plus strand): 5'-TACAGGCATCCACCAACACACCCAGCTAATCTTTTGTATTTTTAGTAGAGACAGGGTTTT[A>C]CCATTTTGGTCAGGCTGGTCTCAAACTCCTGAGCTTAGGTGATCCGCCCACCTTGGCCTC-3'